The following is an entry in ClinVar:

NM_001164508.2(NEB):c.18515A>G (p.Tyr6172Cys)

Gene: NEB (nebulin; minus strand). Cytogenetic location: 2q23.3.
Variant type: single nucleotide variant.
Coding change: c.18515A>G on transcript NM_001164508.2 (MANE Select); coding-DNA position 18515, A replaced by G.
Protein change: p.Tyr6172Cys; replaces tyrosine 6172 with cysteine.
Molecular consequence: missense variant.
Genome position (GRCh38, 1-based): chr2:151,563,887, T>C on the plus strand (A>G on the coding strand, the complement: NEB is on the minus strand). VCF-style: chr2-151563887-T-C. GRCh37 (hg19) VCF-style: chr2-152420401-T-C.
Other names: c.18515A>G, p.Tyr6172Cys (NM_001164507.2, NM_001271208.2); c.13412A>G, p.Tyr4471Cys (NM_004543.5); short protein forms Y6172C, Y4471C.
Identifiers: ClinVar variation 1940058 (VCV001940058.2), dbSNP rs2552191472, ClinGen allele CA348800329.

ClinVar aggregate classification (germline): Uncertain significance (1 of 4 stars; one submission).

Conditions:
Nemaline myopathy 2 (NEM2). Also called: Nemaline myopathy 2, autosomal recessive. Identifiers: MedGen C1850569, MONDO:0009725, OMIM 256030.

Submission:

Labcorp Genetics (formerly Invitae), Labcorp
Classification: Uncertain significance for Nemaline myopathy 2. Last evaluated: 2022-03-14. Review status: criteria provided, single submitter. Criteria: Invitae Variant Classification Sherloc (09022015). Collection method: clinical testing. Allele origin: germline.
Comment: This sequence change replaces tyrosine, which is neutral and polar, with cysteine, which is neutral and slightly polar, at codon 6172 of the NEB protein (p.Tyr6172Cys). This variant is not present in population databases (gnomAD no frequency). This variant has not been reported in the literature in individuals affected with NEB-related conditions. Algorithms developed to predict the effect of missense changes on protein structure and function are either unavailable or do not agree on the potential impact of this missense change (SIFT: "Deleterious"; PolyPhen-2: "Not Available"; Align-GVGD: "Class C0"). In summary, the available evidence is currently insufficient to determine the role of this variant in disease. Therefore, it has been classified as a Variant of Uncertain Significance.